The following is an entry in ClinVar:

ClinVar aggregate classification (germline): Benign/Likely benign. Review status: criteria provided, multiple submitters, no conflicts (2 of 4 stars). 8 submissions from 8 submitters: Benign (7); Likely benign (1). Last evaluated 2026-03-27.

Conditions:
Familial thoracic aortic aneurysm and aortic dissection (TAAD). Also called: Thoracic aortic aneurysms and dissections. Identifiers: Orphanet 91387, MedGen C4707243, MONDO:0019625.
Shprintzen-Goldberg syndrome (SGS). Also called: Marfanoid disorder with craniosynostosis type 1; Marfanoid craniosynostosis syndrome; Shprintzen-Goldberg marfanoid syndrome; CRANIOSYNOSTOSIS WITH ARACHNODACTYLY AND ABDOMINAL HERNIAS; SHPRINTZEN-GOLDBERG CRANIOSYNOSTOSIS SYNDROME. Identifiers: Orphanet 2462, MedGen C1321551, MONDO:0008426, OMIM 182212.

Allele frequency attached by ClinVar (database versions not stated): gnomAD exomes 0.00081; ExAC 0.00096; ESP Exome Variant Server 0.00285; gnomAD 0.00297 and 0.00322; TOPMed 0.00320; 1000 Genomes Project 0.00399; 1000 Genomes Project 30x 0.00422.
gnomAD v4.1: 901 of 1,612,438 alleles (0.056%); highest among the groups gnomAD compares: African/African-American, 1%; 4 homozygotes.

Submissions (8):

Molecular Diagnostic Laboratory for Inherited Cardiovascular Disease, Montreal Heart Institute
Classification: Likely benign. Last evaluated: 2026-03-27. Review status: criteria provided, single submitter. Criteria: ACMG Guidelines, 2015. Collection method: clinical testing. Allele origin: germline. Affected: no.
Comment: BS1;BP7

Labcorp Genetics (formerly Invitae), Labcorp
Classification: Benign for Shprintzen-Goldberg syndrome. Last evaluated: 2026-02-01. Review status: criteria provided, single submitter. Criteria: Invitae Variant Classification Sherloc (09022015). Collection method: clinical testing. Allele origin: germline.

Mayo Clinic Laboratories, Mayo Clinic
Classification: Benign. Last evaluated: 2025-06-12. Review status: criteria provided, single submitter. Criteria: ACMG Guidelines, 2015. Collection method: clinical testing. Allele origin: germline. Observed: 2 variant alleles.
Comment: BS1, BS2, BP4, BP7

Blueprint Genetics
Classification: Benign. Last evaluated: 2024-09-21. Review status: criteria provided, single submitter. Criteria: ACMG Guidelines, 2015. Collection method: clinical testing. Allele origin: germline.

Women's Health and Genetics/Laboratory Corporation of America, LabCorp
Classification: Benign. Last evaluated: 2023-08-24. Review status: criteria provided, single submitter. Criteria: LabCorp Variant Classification Summary - May 2015. Collection method: clinical testing. Allele origin: germline.

ARUP Laboratories, Molecular Genetics and Genomics, ARUP Laboratories
Classification: Benign for Shprintzen-Goldberg syndrome. Last evaluated: 2021-04-29. Review status: criteria provided, single submitter. Criteria: ARUP Molecular Germline Variant Investigation Process 2021. Collection method: clinical testing. Allele origin: germline.

Ambry Genetics
Classification: Benign for Familial thoracic aortic aneurysm and aortic dissection. Last evaluated: 2016-10-07. Review status: criteria provided, single submitter. Criteria: Ambry Variant Classification Scheme 2023. Collection method: clinical testing. Allele origin: germline.

GeneDx
Classification: Benign. Last evaluated: 2015-06-22. Review status: criteria provided, single submitter. Criteria: GeneDx Variant Classification (06012015). Collection method: clinical testing. Allele origin: germline. Affected: yes.
Comment: This variant is considered likely benign or benign based on one or more of the following criteria: it is a conservative change, it occurs at a poorly conserved position in the protein, it is predicted to be benign by multiple in silico algorithms, and/or has population frequency not consistent with disease.

NM_003036.4(SKI):c.1410C>T (p.Pro470=)

Gene: SKI (SKI proto-oncogene; plus strand). Cytogenetic location: 1p36.32.
Variant type: single nucleotide variant.
Coding change: c.1410C>T on transcript NM_003036.4 (MANE Select); coding-DNA position 1410, C replaced by T.
Protein change: p.Pro470=; no amino-acid change (proline 470 retained).
Molecular consequence: synonymous variant.
Genome position (GRCh38, 1-based): chr1:2,304,038, C>T. VCF-style: chr1-2304038-C-T. GRCh37 (hg19) VCF-style: chr1-2235477-C-T.
Other names: p.P470P:CCC>CCT; p.Pro470=.
Identifiers: ClinVar variation 213673 (VCV000213673.27), dbSNP rs150985728, ClinGen allele CA322175.
Genomic context (GRCh38, chr1:2,304,038, plus strand): 5'-CCAGCCTCGGAAGCGGAAGCTGACTGTGGACACCCCAGGAGCCCCAGAGACGCTGGCGCC[C>T]GTGGCTGCCCCAGAGGAGGACAAGGACTCGGAGGCGGAGGTGGAAGTTGAAAGCAGGGAG-3'
Protein context (NP_003027.1, residues 460-480): DTPGAPETLA[Pro470=]VAAPEEDKDS